The following is an entry in ClinVar:

NC_000016.10:g.(?_89737551)_(89767238_89769836)del

Genes: ZNF276 (zinc finger protein 276; plus strand), FANCA (FA complementation group A; minus strand). Cytogenetic location: 16q24.3.
Variant type: Deletion.
Identifiers: ClinVar variation 974141 (VCV000974141.1).

ClinVar aggregate classification (germline): Uncertain significance (0 of 4 stars; one submission).

Conditions:
Fanconi anemia complementation group A (FANCA). Also called: Fanconi anemia, group A; FANCA-Related Fanconi Anemia. Identifiers: Orphanet 84, MedGen C3469521, MONDO:0009215, OMIM 227650.

Submission:

Leiden Open Variation Database
Classification: Uncertain significance for Fanconi anemia complementation group A. Last evaluated: 2020-02-28. Review status: no assertion criteria provided. Collection method: curation. Allele origin: germline. Affected: yes.
Comment: Curator: Arleen D. Auerbach. Submitter to LOVD: Arleen D. Auerbach.